The following is an entry in ClinVar:

ClinVar aggregate classification (germline): Uncertain significance (1 of 4 stars; one submission).

Submission:

Labcorp Genetics (formerly Invitae), Labcorp
Classification: Uncertain significance. Last evaluated: 2021-11-13. Review status: criteria provided, single submitter. Criteria: Invitae Variant Classification Sherloc (09022015). Collection method: clinical testing. Allele origin: germline.
Comment: This sequence change replaces aspartic acid, which is acidic and polar, with asparagine, which is neutral and polar, at codon 1062 of the COL11A2 protein (p.Asp1062Asn). This variant is not present in population databases (gnomAD no frequency). This variant has not been reported in the literature in individuals affected with COL11A2-related conditions. Advanced modeling of protein sequence and biophysical properties (such as structural, functional, and spatial information, amino acid conservation, physicochemical variation, residue mobility, and thermodynamic stability) performed at Invitae indicates that this missense variant is not expected to disrupt COL11A2 protein function. In summary, the available evidence is currently insufficient to determine the role of this variant in disease. Therefore, it has been classified as a Variant of Uncertain Significance.

NM_080680.3(COL11A2):c.3184G>A (p.Asp1062Asn)

Gene: COL11A2 (collagen type XI alpha 2 chain; minus strand). Cytogenetic location: 6p21.32.
Variant type: single nucleotide variant.
Coding change: c.3184G>A on transcript NM_080680.3 (MANE Select); coding-DNA position 3184, G replaced by A.
Protein change: p.Asp1062Asn; replaces aspartic acid 1062 with asparagine.
Molecular consequence: missense variant.
Genome position (GRCh38, 1-based): chr6:33,171,541, C>T on the plus strand (G>A on the coding strand, the complement: COL11A2 is on the minus strand). VCF-style: chr6-33171541-C-T. GRCh37 (hg19) VCF-style: chr6-33139318-C-T.
Other names: c.2863G>A, p.Asp955Asn (NM_080679.3); c.2926G>A, p.Asp976Asn (NM_080681.3); short protein forms D1062N, D955N, D976N.
Identifiers: ClinVar variation 1351193 (VCV001351193.3), dbSNP rs2150546768, ClinGen allele CA363636163.